The following is an entry in ClinVar:

NM_001101362.3(KBTBD13):c.766T>G (p.Phe256Val)

Gene: KBTBD13 (kelch repeat and BTB domain containing 13; plus strand). Cytogenetic location: 15q22.31.
Variant type: single nucleotide variant.
Coding change: c.766T>G on transcript NM_001101362.3 (MANE Select); coding-DNA position 766, T replaced by G.
Protein change: p.Phe256Val; replaces phenylalanine 256 with valine.
Molecular consequence: missense variant.
Genome position (GRCh38, 1-based): chr15:65,077,581, T>G. VCF-style: chr15-65077581-T-G. GRCh37 (hg19) VCF-style: chr15-65369919-T-G.
Other names: short protein forms F256V.
Identifiers: ClinVar variation 3616129 (VCV003616129.2).
Genomic context (GRCh38, chr15:65,077,581, plus strand): 5'-GGCACGTGGCACGAGTTCCCCAGCCCGCACCAGCCGCGCTATGACACAGCGCTGGCCGGC[T>G]TCGACGGCCGCCTCTACGCCATCGGCGGCGAATTCCAGAGGACGCCCATCAGCTCCGTGG-3'
Protein context (NP_001094832.1, residues 246-266): QPRYDTALAG[Phe256Val]DGRLYAIGGE

ClinVar aggregate classification (germline): Uncertain significance (1 of 4 stars; one submission).

Conditions:
Nemaline myopathy 6 (NEM6). Also called: Nemaline myopathy 6, autosomal dominant. Identifiers: Orphanet 171439, MedGen C1836472, MONDO:0012237, OMIM 609273.

Submission:

Labcorp Genetics (formerly Invitae), Labcorp
Classification: Uncertain significance for Nemaline myopathy 6. Last evaluated: 2024-11-18. Review status: criteria provided, single submitter. Criteria: Invitae Variant Classification Sherloc (09022015). Collection method: clinical testing. Allele origin: germline.
Comment: This sequence change replaces phenylalanine, which is neutral and non-polar, with valine, which is neutral and non-polar, at codon 256 of the KBTBD13 protein (p.Phe256Val). This variant is not present in population databases (gnomAD no frequency). This variant has not been reported in the literature in individuals affected with KBTBD13-related conditions. Invitae Evidence Modeling of protein sequence and biophysical properties (such as structural, functional, and spatial information, amino acid conservation, physicochemical variation, residue mobility, and thermodynamic stability) indicates that this missense variant is not expected to disrupt KBTBD13 protein function with a negative predictive value of 80%. In summary, the available evidence is currently insufficient to determine the role of this variant in disease. Therefore, it has been classified as a Variant of Uncertain Significance.